The following is an entry in ClinVar:

ClinVar aggregate classification (germline): Uncertain significance (1 of 4 stars; one submission).

Allele frequency attached by ClinVar (database versions not stated): gnomAD exomes below 0.00001; TOPMed 0.00003.
gnomAD v4.1: 6 of 1,088,800 alleles (0.00055%); highest among the groups gnomAD compares: African/African-American, 0.0068%; no homozygotes.

Submission:

Labcorp Genetics (formerly Invitae), Labcorp
Classification: Uncertain significance. Last evaluated: 2022-09-13. Review status: criteria provided, single submitter. Criteria: Invitae Variant Classification Sherloc (09022015). Collection method: clinical testing. Allele origin: germline.
Comment: In summary, the available evidence is currently insufficient to determine the role of this variant in disease. Therefore, it has been classified as a Variant of Uncertain Significance. This sequence change replaces glycine, which is neutral and non-polar, with aspartic acid, which is acidic and polar, at codon 35 of the ADGRA3 protein (p.Gly35Asp). The frequency data for this variant in the population databases is considered unreliable, as metrics indicate insufficient coverage at this position in the gnomAD database. This variant has not been reported in the literature in individuals affected with ADGRA3-related conditions. ClinVar contains an entry for this variant (Variation ID: 1015616). Algorithms developed to predict the effect of missense changes on protein structure and function are either unavailable or do not agree on the potential impact of this missense change (SIFT: "Tolerated"; PolyPhen-2: "Not Available"; Align-GVGD: "Class C0").

NM_145290.4(ADGRA3):c.104G>A (p.Gly35Asp)

Gene: ADGRA3 (adhesion G protein-coupled receptor A3; minus strand). Cytogenetic location: 4p15.2.
Variant type: single nucleotide variant.
Coding change: c.104G>A on transcript NM_145290.4 (MANE Select); coding-DNA position 104, G replaced by A.
Protein change: p.Gly35Asp; replaces glycine 35 with aspartic acid.
Molecular consequence: missense variant.
Genome position (GRCh38, 1-based): chr4:22,515,681, C>T on the plus strand (G>A on the coding strand, the complement: ADGRA3 is on the minus strand). VCF-style: chr4-22515681-C-T. GRCh37 (hg19) VCF-style: chr4-22517304-C-T.
Other names: short protein forms G35D.
Identifiers: ClinVar variation 1015616 (VCV001015616.8), dbSNP rs924625895, ClinGen allele CA94061040.
Genomic context (GRCh38, chr4:22,515,681, plus strand): 5'-GCCCTGCCAGCCCCTCGGGGCCGCCCATCGTGCTTGCAGCCGGCGGGCAGCGCCGCGGCG[C>T]CGCCGCCGCCGCCGCCTCCCAGCAGCGCGAGCAGCGCTAACAGCGAGAGCGGCAGCAACA-3'
Protein context (NP_660333.2, residues 25-45): LALLGGGGGG[Gly35Asp]AAALPAGCKH